The following is an entry in ClinVar:

NM_001130987.2(DYSF):c.1255C>T (p.Arg419Trp)

Gene: DYSF (dysferlin; plus strand). Cytogenetic location: 2p13.2.
Variant type: single nucleotide variant.
Coding change: c.1255C>T on transcript NM_001130987.2 (MANE Select); coding-DNA position 1255, C replaced by T.
Protein change: p.Arg419Trp; replaces arginine 419 with tryptophan.
Molecular consequence: missense variant.
Genome position (GRCh38, 1-based): chr2:71,526,325, C>T. VCF-style: chr2-71526325-C-T. GRCh37 (hg19) VCF-style: chr2-71753455-C-T.
Other names: c.1162C>T, p.Arg388Trp (NM_001130455.2, NM_001130983.2, NM_001130984.2 and 1 more transcripts); c.1159C>T, p.Arg387Trp (NM_001130976.2, NM_001130977.2, NM_001130978.2 and 1 more transcripts); c.1252C>T, p.Arg418Trp (NM_001130979.2, NM_001130980.2, NM_001130981.2); c.1255C>T, p.Arg419Trp (NM_001130982.2, NM_001130985.2); short protein forms R387W, R419W, R418W, R388W.
Identifiers: ClinVar variation 287943 (VCV000287943.18), dbSNP rs527435707, ClinGen allele CA1705660.

ClinVar aggregate classification (germline): Conflicting classifications of pathogenicity. Review status: criteria provided, conflicting classifications (1 of 4 stars). 9 submissions from 9 submitters: Uncertain significance (7); Likely benign (1). 1 of the submissions does not count toward it. Last evaluated 2026-04-09.

Conditions:
Autosomal recessive limb-girdle muscular dystrophy type 2B (LGMDR2). Also called: MUSCULAR DYSTROPHY, LIMB-GIRDLE, TYPE 3; MUSCULAR DYSTROPHY, LIMB-GIRDLE, AUTOSOMAL RECESSIVE 2; Limb-Girdle Muscular Dystrophy Type 2B (LGMD2B); Limb-girdle muscular dystrophy, type 2B. Identifiers: Orphanet 268, MedGen C1850889, MONDO:0009676, OMIM 253601.
Neuromuscular disease caused by qualitative or quantitative defects of dysferlin. Also called: Dysferlinopathy; Qualitative or quantitative defects of dysferlin. Identifiers: Orphanet 207073, MedGen C2931687, MONDO:0016145.
Restrictive cardiomyopathy. Identifiers: Orphanet 217632, MedGen C0007196, MeSH D002313, MONDO:0005201, HP:0001723.

Allele frequency attached by ClinVar (database versions not stated): gnomAD 0.00004 and 0.00002; gnomAD exomes 0.00014; 1000 Genomes Project 30x 0.00016; ExAC 0.00013; TOPMed 0.00002; 1000 Genomes Project 0.00020.

Submissions (9):

Petrovsky National Research Centre of Surgery, The Federal Agency for Scientific Organizations
Classification: Uncertain significance for Restrictive cardiomyopathy. Last evaluated: 2026-04-09. Review status: criteria provided, single submitter. Criteria: ACMG Guidelines, 2015. Collection method: clinical testing. Allele origin: germline. Affected: yes. Observed: 1 variant allele.
Comment: The variant is in The Genome Aggregation Database (gnomAD) v4.1.0 with total 8.049e-05. (Date of access 2026-04-09). In accordance with ACMG (2015) criteria this variant is classified as Uncertain significance with following criteria selected: PM2.

Labcorp Genetics (formerly Invitae), Labcorp
Classification: Likely benign for Neuromuscular disease caused by qualitative or quantitative defects of dysferlin. Last evaluated: 2026-01-19. Review status: criteria provided, single submitter. Criteria: Invitae Variant Classification Sherloc (09022015). Collection method: clinical testing. Allele origin: germline.

Women's Health and Genetics/Laboratory Corporation of America, LabCorp
Classification: Uncertain significance. Last evaluated: 2023-02-17. Review status: criteria provided, single submitter. Criteria: LabCorp Variant Classification Summary - May 2015. Collection method: clinical testing. Allele origin: germline.
Comment: Variant summary: DYSF c.1159C>T (p.Arg387Trp) results in a non-conservative amino acid change located in the C2 domain (IPR000008) of the encoded protein sequence. Four of five in-silico tools predict a damaging effect of the variant on protein function. The variant allele was found at a frequency of 0.00014 in 250938 control chromosomes (gnomAD). This frequency is not significantly higher than estimated for a pathogenic variant in DYSF causing Limb-Girdle Muscular Dystrophy, Autosomal Recessive (0.00014 vs 0.0031), allowing no conclusion about variant significance. c.1159C>T has been reported in the literature in the heterozygous state as a VUS in a setting of multigene panel testing in an individual suspected of Limb-Girdle Muscular Dystrophy (Nallamilli_2018). This report does not provide unequivocal conclusions about association of the variant with autosomal recessive Limb-Girdle Muscular Dystrophy. To our knowledge, no experimental evidence demonstrating an impact on protein function has been reported. Five submitters have provided clinical-significance assessments for this variant to ClinVar after 2014 and classified the variant as VUS (n=4) or likely benign (n=1). Based on the evidence outlined above, the variant was classified as uncertain significance.

Revvity Omics, Revvity
Classification: Uncertain significance. Last evaluated: 2019-01-17. Review status: criteria provided, single submitter. Criteria: ACMG Guidelines, 2015. Collection method: clinical testing. Allele origin: germline.

GeneDx
Classification: Uncertain significance. Last evaluated: 2017-05-23. Review status: criteria provided, single submitter. Criteria: GeneDx Variant Classification (06012015). Collection method: clinical testing. Allele origin: germline. Affected: yes.
Comment: The R387W variant in the DYSF gene has not been reported previously as a pathogenic variant, nor as a benign variant, to our knowledge. The R387W variant is observed in 10/16502 (0.06%) alleles from individuals of South Asian background in the ExAC dataset (Lek et al., 2016; 1000 Genomes Consortium et al., 2015; Exome Variant Server). The R387W variant is a non-conservative amino acid substitution, which is likely to impact secondary protein structure as these residues differ in polarity, charge, size and/or other properties. This substitution occurs at a position that is conserved across species. In silico analysis predicts this variant is probably damaging to the protein structure/function. Missense variants in nearby residues (E389K, E389Q) have been reported in the Human Gene Mutation Database in association with DYSF-related disorders (Stenson et al., 2014), supporting the functional importance of this region of the protein. We interpret R387W as a variant of uncertain significance.

Illumina Laboratory Services, Illumina
Classification: Uncertain significance for Qualitative or quantitative defects of dysferlin. Last evaluated: 2017-04-27. Review status: criteria provided, single submitter. Criteria: ICSL Variant Classification Criteria 13 December 2019. Collection method: clinical testing. Allele origin: germline.

Eurofins Ntd Llc (ga)
Classification: Uncertain significance. Last evaluated: 2016-05-24. Review status: criteria provided, single submitter. Criteria: EGL Classification Definitions 2015. Collection method: clinical testing. Allele origin: germline. Observed: 2 variant alleles, 2 heterozygotes.

Breakthrough Genomics
Classification: Uncertain significance. Review status: criteria provided, single submitter. Criteria: ACMG Guidelines, 2015. Collection method: not provided. Allele origin: germline. Inheritance: Autosomal recessive inheritance. Affected: yes.

Natera, Inc.
Classification: Uncertain significance for Limb-girdle muscular dystrophy type 2B. Last evaluated: 2020-01-21. Review status: no assertion criteria provided. Collection method: clinical testing. Allele origin: germline. Not counted in ClinVar's aggregate classification.

Literature cited by the submitters: PubMed 30564623 (cited by Women's Health and Genetics/Laboratory Corporation of America, LabCorp).